The following is an entry in ClinVar:

NM_001244008.2(KIF1A):c.1082A>G (p.Asn361Ser)

Gene: KIF1A (kinesin family member 1A; minus strand). Cytogenetic location: 2q37.3.
Variant type: single nucleotide variant.
Coding change: c.1082A>G on transcript NM_001244008.2 (MANE Select); coding-DNA position 1082, A replaced by G.
Protein change: p.Asn361Ser; replaces asparagine 361 with serine.
Molecular consequence: missense variant.
Genome position (GRCh38, 1-based): chr2:240,773,212, T>C on the plus strand (A>G on the coding strand, the complement: KIF1A is on the minus strand). VCF-style: chr2-240773212-T-C. GRCh37 (hg19) VCF-style: chr2-241712629-T-C.
Other names: c.1082A>G, p.Asn361Ser (NM_001320705.2, NM_001330289.2, NM_001330290.2 and 21 more transcripts); c.1082A>G (NM_004321.6); short protein forms N361S.
Identifiers: ClinVar variation 2924202 (VCV002924202.4), dbSNP rs1575603705, ClinGen allele CA351295670.
Genomic context (GRCh38, chr2:240,773,212, plus strand): 5'-TCCCGCAGCCGGGTCACCTCATCCTTCAGCTCGCGGATCAGCTTGTTGTTGGGGTCCTCA[T>C]TGATGACAGCATTGCAGCGGATCTGCTTGGCCCGGTCAGCATACCTGGGTGGCAGAGGGG-3'
Protein context (NP_001230937.1, residues 351-371): AKQIRCNAVI[Asn361Ser]EDPNNKLIRE

ClinVar aggregate classification (germline): Uncertain significance. Review status: criteria provided, multiple submitters, no conflicts (2 of 4 stars). 2 submissions from 2 submitters: Uncertain significance (2). Last evaluated 2025-04-10.

Conditions:
Neuropathy, hereditary sensory, type 2C. Also called: Hereditary sensory and autonomic neuropathy type IIC; KIF1A-Related HSAN2 (HSAN2C). Identifiers: Orphanet 970, MedGen C3280168, MONDO:0013634, OMIM 614213.
Hereditary spastic paraplegia 30. Identifiers: Orphanet 101010, MedGen C5235139, MONDO:0012476.
Intellectual disability, autosomal dominant 9 (NESCAVS). Also called: NESCAV SYNDROME; KIF1A-Related Neurodevelopmental Disorder. Identifiers: Orphanet 662367, MedGen C5393830, MONDO:0013656, OMIM 614255.

gnomAD v4.1: 1 of 1,613,980 alleles (0.000062%); highest among the groups gnomAD compares: Non-Finnish European, 0.000085%; no homozygotes.

Submissions (2):

GeneDx
Classification: Uncertain significance. Last evaluated: 2025-04-10. Review status: criteria provided, single submitter. Criteria: GeneDx Variant Classification Process June 2021. Collection method: clinical testing. Allele origin: germline. Affected: yes.
Comment: Not observed at significant frequency in large population cohorts (gnomAD); In silico analysis supports that this missense variant has a deleterious effect on protein structure/function; Has not been previously published as pathogenic or benign to our knowledge

Labcorp Genetics (formerly Invitae), Labcorp
Classification: Uncertain significance for Hereditary spastic paraplegia 30; Neuropathy, hereditary sensory, type 2C; Intellectual disability, autosomal dominant 9. Last evaluated: 2024-10-31. Review status: criteria provided, single submitter. Criteria: Invitae Variant Classification Sherloc (09022015). Collection method: clinical testing. Allele origin: germline.
Comment: This sequence change replaces asparagine, which is neutral and polar, with serine, which is neutral and polar, at codon 361 of the KIF1A protein (p.Asn361Ser). This variant is not present in population databases (gnomAD no frequency). This variant has not been reported in the literature in individuals affected with KIF1A-related conditions. ClinVar contains an entry for this variant (Variation ID: 2924202). Invitae Evidence Modeling of protein sequence and biophysical properties (such as structural, functional, and spatial information, amino acid conservation, physicochemical variation, residue mobility, and thermodynamic stability) indicates that this missense variant is expected to disrupt KIF1A protein function with a positive predictive value of 95%. In summary, the available evidence is currently insufficient to determine the role of this variant in disease. Therefore, it has been classified as a Variant of Uncertain Significance.